The following is an entry in ClinVar:

ClinVar aggregate classification (germline): Likely pathogenic (1 of 4 stars; one submission).

Conditions:
Hereditary breast ovarian cancer syndrome. Also called: BRCA1- and BRCA2-Associated Hereditary Breast and Ovarian Cancer; Hereditary breast and ovarian cancer; Hereditary breast and ovarian cancer syndrome (HBOC); Hereditary breast and/or ovarian cancer syndrome; Hereditary breast and ovarian cancer syndrome; Breast and ovarian cancer. Identifiers: Orphanet 145, MedGen C0677776, MeSH D061325, MONDO:0003582. Disease mechanism: loss of function.

Submission:

Genetics and Personalized Medicine Clinic, Tartu University Hospital
Classification: Likely pathogenic for Hereditary breast ovarian cancer syndrome. Last evaluated: 2018-01-01. Review status: criteria provided, single submitter. Criteria: ACMG Guidelines, 2015. Collection method: clinical testing. Allele origin: germline. Affected: yes. Observed: 1 variant allele.
Comment: This deletion causes a frameshift p.(Ala17Valfs*6), predicted to result in premature truncation and nonsense-mediated decay. BRCA1 loss-of-function is a well-established mechanism for hereditary breast and ovarian cancer (PVS1).

NM_007294.4(BRCA1):c.50del (p.Ala17fs)

Gene: BRCA1 (BRCA1 DNA repair associated; minus strand). Cytogenetic location: 17q21.31.
Variant type: Deletion.
Coding change: c.50del on transcript NM_007294.4 (MANE Select); coding-DNA position 50, one base deleted (C; older notation c.50delC).
Protein change: p.Ala17fs; shifts the reading frame from alanine 17.
Molecular consequence: frameshift variant. On other transcripts: 5 prime UTR variant (136), intron variant (36).
Genome position (GRCh38, 1-based): chr17:43,124,047, G deleted on the plus strand (C on the coding strand, the reverse complement: BRCA1 is on the minus strand). VCF-style (leftmost placement, unchanged base first): chr17-43124046-AG-A. GRCh37 (hg19) VCF-style: chr17-41276063-AG-A.
Other names: c.-211del (NM_001408503.1, NM_001408504.1, NM_001407725.1 and 22 more transcripts); c.-139del (NM_001408506.1, NM_001407571.1, NM_001408507.1 and 46 more transcripts); c.50del, p.Ala17fs (NM_001407581.1, NM_001407582.1, NM_001407583.1 and 192 more transcripts); c.-258del (NM_001408513.1, NM_001407917.1, NM_001407954.1); c.-38del (NM_007297.4, NM_001407698.1, NM_001407732.1 and 23 more transcripts); c.-61-8268del (NM_001408458.1); c.-219+1230del (NM_001407967.1); c.-170+1230del (NM_001407959.1); and 23 more; short protein forms A17fs.
Identifiers: ClinVar variation 4082384 (VCV004082384.1).